The following is an entry in ClinVar:

NM_003738.5(PTCH2):c.565C>G (p.Leu189Val)

Gene: PTCH2 (patched 2; minus strand). Cytogenetic location: 1p34.1.
Variant type: single nucleotide variant.
Coding change: c.565C>G on transcript NM_003738.5 (MANE Select); coding-DNA position 565, C replaced by G.
Protein change: p.Leu189Val; replaces leucine 189 with valine.
Molecular consequence: missense variant.
Genome position (GRCh38, 1-based): chr1:44,831,758, G>C on the plus strand (C>G on the coding strand, the complement: PTCH2 is on the minus strand). VCF-style: chr1-44831758-G-C. GRCh37 (hg19) VCF-style: chr1-45297430-G-C.
Other names: c.565C>G, p.Leu189Val (NM_001166292.2); short protein forms L189V.
Identifiers: ClinVar variation 524558 (VCV000524558.14), dbSNP rs747885797, ClinGen allele CA823580.

ClinVar aggregate classification (germline): Uncertain significance. Review status: criteria provided, multiple submitters, no conflicts (2 of 4 stars). 6 submissions from 5 submitters: Uncertain significance (5). 1 of the submissions does not count toward it. Last evaluated 2025-09-17.

Conditions:
PTCH2-related disorder. Also called: PTCH2-related condition; PTCH2-related disease.
Medulloblastoma (MDB). Also called: Medulloblastoma, somatic; MEDULLOBLASTOMA PREDISPOSITION SYNDROME. Identifiers: Orphanet 616, MedGen C0025149, MeSH D008527, MONDO:0007959, OMIM 155255, HP:0002885.
Basal cell carcinoma, susceptibility to, 1. Also called: BCC1. Identifiers: MedGen C2751544, MONDO:0011556, OMIM 605462.
Gorlin syndrome. Also called: Basal cell nevus syndrome; Nevoid Basal Cell Carcinoma Syndrome. Identifiers: Orphanet 377, MedGen C0004779, MONDO:0007187.

Allele frequency attached by ClinVar (database versions not stated): gnomAD 0.00003; ExAC 0.00022; gnomAD exomes 0.00007; TOPMed 0.00004.
gnomAD v4.1: 78 of 1,586,836 alleles (0.0049%); highest among the groups gnomAD compares: Middle Eastern, 0.13%; no homozygotes.

Submissions (6):

Labcorp Genetics (formerly Invitae), Labcorp
Classification: Uncertain significance for Gorlin syndrome. Last evaluated: 2025-09-17. Review status: criteria provided, single submitter. Criteria: Invitae Variant Classification Sherloc (09022015). Collection method: clinical testing. Allele origin: germline.
Comment: This sequence change replaces leucine, which is neutral and non-polar, with valine, which is neutral and non-polar, at codon 189 of the PTCH2 protein (p.Leu189Val). This variant is present in population databases (rs747885797, gnomAD 0.02%). This variant has not been reported in the literature in individuals affected with PTCH2-related conditions. ClinVar contains an entry for this variant (Variation ID: 524558). Invitae Evidence Modeling of protein sequence and biophysical properties (such as structural, functional, and spatial information, amino acid conservation, physicochemical variation, residue mobility, and thermodynamic stability) has been performed for this missense variant. However, the output from this modeling did not meet the statistical confidence thresholds required to predict the impact of this variant on PTCH2 protein function. In summary, the available evidence is currently insufficient to determine the role of this variant in disease. Therefore, it has been classified as a Variant of Uncertain Significance.

Dasa
Classification: Uncertain significance. Last evaluated: 2025-05-16. Review status: criteria provided, single submitter. Criteria: DASA Assertion Criteria. Collection method: clinical testing. Allele origin: germline.
Comment: NM_003738.5(PTCH2):c.565C>G (p.Leu189Val) is a missense variant that results in the substitution of leucine with valine. This variant is rare in population databases. Computational prediction algorithms are consistent with a deleterious effect. The currently available literature and clinical evidence are not sufficient to establish a definitive association between this variant and the reported condition. Therefore, this variant is classified as a variant of uncertain significance.

Fulgent Genetics
Classification: Uncertain significance for Medulloblastoma; Basal cell carcinoma, susceptibility to, 1. Last evaluated: 2024-02-15. Review status: criteria provided, single submitter. Criteria: ACMG Guidelines, 2015. Collection method: clinical testing. Allele origin: germline.

Fulgent Genetics
Classification: Uncertain significance for Basal cell nevus syndrome 1; Medulloblastoma; Basal cell carcinoma, susceptibility to, 1. Last evaluated: 2018-10-31. Review status: criteria provided, single submitter. Criteria: ACMG Guidelines, 2015. Collection method: clinical testing. Allele origin: unknown.

Breakthrough Genomics
Classification: Uncertain significance. Review status: criteria provided, single submitter. Criteria: ACMG Guidelines, 2015. Collection method: not provided. Allele origin: germline. Inheritance: Autosomal recessive inheritance. Affected: yes.

PreventionGenetics, part of Exact Sciences
Classification: Uncertain significance for PTCH2-related condition. Last evaluated: 2024-03-07. Review status: no assertion criteria provided. Collection method: clinical testing. Allele origin: germline. Not counted in ClinVar's aggregate classification.
Comment: The PTCH2 c.565C>G variant is predicted to result in the amino acid substitution p.Leu189Val. To our knowledge, this variant has not been reported in the literature. This variant is reported in 0.018% of alleles in individuals of South Asian descent in gnomAD. This variant is classified as uncertain significance in ClinVar. At this time, the clinical significance of this variant is uncertain due to the absence of conclusive functional and genetic evidence.